The following is an entry in ClinVar:

NM_001184.4(ATR):c.1831A>T (p.Thr611Ser)

Gene: ATR (ATR checkpoint kinase; minus strand). Cytogenetic location: 3q23.
Variant type: single nucleotide variant.
Coding change: c.1831A>T on transcript NM_001184.4 (MANE Select); coding-DNA position 1831, A replaced by T.
Protein change: p.Thr611Ser; replaces threonine 611 with serine.
Molecular consequence: missense variant.
Genome position (GRCh38, 1-based): chr3:142,558,678, T>A on the plus strand (A>T on the coding strand, the complement: ATR is on the minus strand). VCF-style: chr3-142558678-T-A. GRCh37 (hg19) VCF-style: chr3-142277520-T-A.
Other names: c.1639A>T, p.Thr547Ser (NM_001354579.2); short protein forms T547S, T611S.
Identifiers: ClinVar variation 2127101 (VCV002127101.4), dbSNP rs752930353, ClinGen allele CA354820943.

ClinVar aggregate classification (germline): Uncertain significance (1 of 4 stars; one submission).

gnomAD v4.1: 1 of 1,613,488 alleles (0.000062%); highest among the groups gnomAD compares: East Asian, 0.0022%; no homozygotes.

Submission:

Labcorp Genetics (formerly Invitae), Labcorp
Classification: Uncertain significance. Last evaluated: 2024-10-21. Review status: criteria provided, single submitter. Criteria: Invitae Variant Classification Sherloc (09022015). Collection method: clinical testing. Allele origin: germline.
Comment: This sequence change replaces threonine, which is neutral and polar, with serine, which is neutral and polar, at codon 611 of the ATR protein (p.Thr611Ser). This variant is present in population databases (no rsID available, gnomAD 0.006%). This variant has not been reported in the literature in individuals affected with ATR-related conditions. ClinVar contains an entry for this variant (Variation ID: 2127101). An algorithm developed to predict the effect of missense changes on protein structure and function (PolyPhen-2) suggests that this variant is likely to be tolerated. In summary, the available evidence is currently insufficient to determine the role of this variant in disease. Therefore, it has been classified as a Variant of Uncertain Significance.